The following is an entry in ClinVar:

ClinVar aggregate classification (germline): Likely pathogenic. Review status: criteria provided, multiple submitters, no conflicts (2 of 4 stars). 2 submissions from 2 submitters: Likely pathogenic (2). Last evaluated 2024-01-24.

Conditions:
Hyperinsulinemic hypoglycemia, familial, 1 (HHF1). Also called: HYPERINSULINISM, FAMILIAL, WITH PANCREATIC NESIDIOBLASTOSIS; HYPOGLYCEMIA, HYPERINSULINEMIC, OF INFANCY; NESIDIOBLASTOSIS OF PANCREAS; Persistent hyperinsulinemic hypoglycemia of infancy; Persistent Hyperinsulinemia Hypoglycemia of Infancy. Identifiers: Orphanet 276575, Orphanet 276598, MedGen C2931832, MONDO:0009734, OMIM 256450.
Leucine-induced hypoglycemia (LIH). Also called: LEUCINE-SENSITIVE HYPOGLYCEMIA OF INFANCY. Identifiers: MedGen C0271714, MONDO:0009415, OMIM 240800.
Type 2 diabetes mellitus. Also called: Type II diabetes mellitus. Identifiers: MedGen C0011860, MeSH D003924, MONDO:0005148, OMIM 125853, HP:0005978.
Diabetes mellitus, transient neonatal, 2 (TNDM2). Identifiers: Orphanet 99886, MedGen C1835887, MONDO:0012480, OMIM 610374. Disease mechanism: loss of function.
Diabetes mellitus, permanent neonatal 3. Also called: ABCC8-Related Permanent Neonatal Diabetes Mellitus. Identifiers: MedGen C5394303, MONDO:0030088, OMIM 618857.

Allele frequency attached by ClinVar (database versions not stated): gnomAD exomes below 0.00001.
gnomAD v4.1: 1 of 1,609,212 alleles (0.000062%); highest among the groups gnomAD compares: South Asian, 0.0011%; no homozygotes.

Submissions (2):

Fulgent Genetics
Classification: Likely pathogenic for Type 2 diabetes mellitus; Leucine-induced hypoglycemia; Hyperinsulinemic hypoglycemia, familial, 1; Diabetes mellitus, transient neonatal, 2; Diabetes mellitus, permanent neonatal 3. Last evaluated: 2024-01-24. Review status: criteria provided, single submitter. Criteria: ACMG Guidelines, 2015. Collection method: clinical testing. Allele origin: germline.

Labcorp Genetics (formerly Invitae), Labcorp
Classification: Likely pathogenic. Last evaluated: 2023-01-10. Review status: criteria provided, single submitter. Criteria: Invitae Variant Classification Sherloc (09022015). Collection method: clinical testing. Allele origin: germline.
Comment: Disruption of this splice site has been observed in individual(s) with hyperglycemia or diabetes (PMID: 31291970). In summary, the currently available evidence indicates that the variant is pathogenic, but additional data are needed to prove that conclusively. Therefore, this variant has been classified as Likely Pathogenic. Algorithms developed to predict the effect of sequence changes on RNA splicing suggest that this variant may disrupt the consensus splice site. ClinVar contains an entry for this variant (Variation ID: 1472599). This variant is not present in population databases (gnomAD no frequency). This sequence change affects a donor splice site in intron 18 of the ABCC8 gene. It is expected to disrupt RNA splicing. Variants that disrupt the donor or acceptor splice site typically lead to a loss of protein function (PMID: 16199547), and loss-of-function variants in ABCC8 are known to be pathogenic (PMID: 20685672, 23345197).

Literature cited by the submitters: PubMed 31291970 (cited by Labcorp Genetics (formerly Invitae), Labcorp); PubMed 16199547 (cited by Labcorp Genetics (formerly Invitae), Labcorp); PubMed 20685672 (cited by Labcorp Genetics (formerly Invitae), Labcorp); PubMed 23345197 (cited by Labcorp Genetics (formerly Invitae), Labcorp).

NM_000352.6(ABCC8):c.2291+1G>A

Gene: ABCC8 (ATP binding cassette subfamily C member 8; minus strand). Cytogenetic location: 11p15.1.
Variant type: single nucleotide variant.
Coding change: c.2291+1G>A on transcript NM_000352.6 (MANE Select); the canonical splice donor site of the intron after coding-DNA position 2291, G replaced by A.
Molecular consequence: splice donor variant.
Genome position (GRCh38, 1-based): chr11:17,415,303, C>T on the plus strand (G>A on the coding strand, the complement: ABCC8 is on the minus strand). VCF-style: chr11-17415303-C-T. GRCh37 (hg19) VCF-style: chr11-17436850-C-T.
Other names: c.2288+1G>A (NM_001351297.2); c.2291+1G>A (NM_001351296.2); c.2357+1G>A (NM_001351295.2); c.2294+1G>A (NM_001287174.3).
Identifiers: ClinVar variation 1472599 (VCV001472599.9), dbSNP rs1160946320, ClinGen allele CA379810693.
Genomic context (GRCh38, chr11:17,415,303, plus strand): 5'-GGGCCTGAGAGCACCCTGGAGGGAGTTGACCCTGGGGGGCAATGTTCCCAGGACGCAGTA[C>T]CTGATATCCAAGTCGGTCGCTGTCTCCCGCTCTGGGCTGCAGCAGGGGAGGAAAGGCATA-3'